The following is an entry in ClinVar:

ClinVar aggregate classification (germline): Uncertain significance. Review status: criteria provided, multiple submitters, no conflicts (2 of 4 stars). 2 submissions from 2 submitters: Uncertain significance (2). Last evaluated 2024-10-02.

gnomAD v4.1: 63 of 1,614,096 alleles (0.0039%); highest among the groups gnomAD compares: African/African-American, 0.069%; no homozygotes.

Submissions (2):

Dasa
Classification: Uncertain significance. Last evaluated: 2024-10-02. Review status: criteria provided, single submitter. Criteria: DASA Assertion Criteria. Collection method: clinical testing. Allele origin: germline.
Comment: NM_001008216.2(GALE):c.121+6C>T is a splice-region variant. This variant is rare in population databases. Computational prediction algorithms are consistent with a benign effect. The currently available literature and clinical evidence are not sufficient to establish a definitive association between this variant and the reported condition. Therefore, this variant is classified as a variant of uncertain significance.

Women's Health and Genetics/Laboratory Corporation of America, LabCorp
Classification: Uncertain significance. Last evaluated: 2024-09-03. Review status: criteria provided, single submitter. Criteria: LabCorp Variant Classification Summary - May 2015. Collection method: clinical testing. Allele origin: germline.

NM_001008216.2(GALE):c.121+6C>T

Gene: GALE (UDP-galactose-4-epimerase; minus strand). Cytogenetic location: 1p36.11.
Variant type: single nucleotide variant.
Coding change: c.121+6C>T on transcript NM_001008216.2 (MANE Select); 6 bases into the intron after coding-DNA position 121, C replaced by T.
Molecular consequence: intron variant.
Genome position (GRCh38, 1-based): chr1:23,798,881, G>A on the plus strand (C>T on the coding strand, the complement: GALE is on the minus strand). VCF-style: chr1-23798881-G-A. GRCh37 (hg19) VCF-style: chr1-24125371-G-A.
Other names: c.121+6C>T (NM_000403.4, NM_001127621.2).
Identifiers: ClinVar variation 3375114 (VCV003375114.3).